The following is an entry in ClinVar:

NM_198253.3(TERT):c.247C>T (p.Arg83Ter)

Genes: TERT (telomerase reverse transcriptase; minus strand), LOC110806263 (TERT 5' regulatory region; plus strand). Cytogenetic location: 5p15.33.
Variant type: single nucleotide variant.
Coding change: c.247C>T on transcript NM_198253.3 (MANE Select); coding-DNA position 247, C replaced by T.
Protein change: p.Arg83Ter; replaces arginine 83 with a stop codon.
Molecular consequence: nonsense. On other transcripts: non-coding transcript variant (2).
Genome position (GRCh38, 1-based): chr5:1,294,639, G>A on the plus strand (C>T on the coding strand, the complement: TERT is on the minus strand). VCF-style: chr5-1294639-G-A. GRCh37 (hg19) VCF-style: chr5-1294754-G-A.
Other names: c.247C>T, p.Arg83Ter (NM_001193376.3); short protein forms R83*.
Identifiers: ClinVar variation 1381898 (VCV001381898.6), dbSNP rs867642414, ClinGen allele CA112915426.

ClinVar aggregate classification (germline): Pathogenic (1 of 4 stars; one submission).

Conditions:
Idiopathic Pulmonary Fibrosis. Also called: Idiopathic fibrosing alveolitis, chronic form; idiopathic fibrosing alveolitis. Identifiers: Orphanet 2032, MedGen C1800706, MeSH D054990, MONDO:0800504.
Dyskeratosis congenita, autosomal dominant 2. Identifiers: MedGen C3151443, MONDO:0013521, OMIM 613989.

Submission:

Labcorp Genetics (formerly Invitae), Labcorp
Classification: Pathogenic for Dyskeratosis congenita, autosomal dominant 2; Idiopathic Pulmonary Fibrosis. Last evaluated: 2024-01-06. Review status: criteria provided, single submitter. Criteria: Invitae Variant Classification Sherloc (09022015). Collection method: clinical testing. Allele origin: germline.
Comment: This sequence change creates a premature translational stop signal (p.Arg83*) in the TERT gene. It is expected to result in an absent or disrupted protein product. Loss-of-function variants in TERT are known to be pathogenic (PMID: 16247010, 17460043). This variant is not present in population databases (gnomAD no frequency). This variant has not been reported in the literature in individuals affected with TERT-related conditions. ClinVar contains an entry for this variant (Variation ID: 1381898). For these reasons, this variant has been classified as Pathogenic.

Literature cited by the submitters: PubMed 16247010; PubMed 17460043.